The following is an entry in ClinVar:

ClinVar aggregate classification (germline): Uncertain significance (1 of 4 stars; one submission).

Submission:

Labcorp Genetics (formerly Invitae), Labcorp
Classification: Uncertain significance. Last evaluated: 2022-07-26. Review status: criteria provided, single submitter. Criteria: Invitae Variant Classification Sherloc (09022015). Collection method: clinical testing. Allele origin: germline.
Comment: Algorithms developed to predict the effect of sequence changes on RNA splicing suggest that this variant may disrupt the consensus splice site. Algorithms developed to predict the effect of missense changes on protein structure and function output the following: SIFT: "Tolerated"; PolyPhen-2: "Benign"; Align-GVGD: "Class C0". The valine amino acid residue is found in multiple mammalian species, which suggests that this missense change does not adversely affect protein function. ClinVar contains an entry for this variant (Variation ID: 1467561). This variant has not been reported in the literature in individuals affected with RGS9-related conditions. This variant is not present in population databases (gnomAD no frequency). This sequence change replaces alanine, which is neutral and non-polar, with valine, which is neutral and non-polar, at codon 175 of the RGS9 protein (p.Ala175Val). In summary, the available evidence is currently insufficient to determine the role of this variant in disease. Therefore, it has been classified as a Variant of Uncertain Significance.

NM_003835.4(RGS9):c.524C>T (p.Ala175Val)

Gene: RGS9 (regulator of G protein signaling 9; plus strand). Cytogenetic location: 17q24.1.
Variant type: single nucleotide variant.
Coding change: c.524C>T on transcript NM_003835.4 (MANE Select); coding-DNA position 524, C replaced by T.
Protein change: p.Ala175Val; replaces alanine 175 with valine.
Molecular consequence: missense variant.
Genome position (GRCh38, 1-based): chr17:65,168,223, C>T. VCF-style: chr17-65168223-C-T. GRCh37 (hg19) VCF-style: chr17-63164341-C-T.
Other names: c.524C>T, p.Ala175Val (NM_001081955.3, NM_001165933.2); short protein forms A175V.
Identifiers: ClinVar variation 1467561 (VCV001467561.6), dbSNP rs2144015079, ClinGen allele CA400666365.